The following is an entry in ClinVar:

ClinVar aggregate classification (germline): Likely benign (1 of 4 stars; one submission).

Allele frequency attached by ClinVar (database versions not stated): TOPMed below 0.00001 and 0.00002; gnomAD 0.00001 and 0.00003.
gnomAD v4.1: 2 of 981,944 alleles (0.0002%); highest among the groups gnomAD compares: African/African-American, 0.0035%; no homozygotes.

Submission:

GeneDx
Classification: Likely benign. Last evaluated: 2017-02-13. Review status: criteria provided, single submitter. Criteria: GeneDx Variant Classification (06012015). Collection method: clinical testing. Allele origin: germline. Affected: yes.
Comment: This variant is considered likely benign or benign based on one or more of the following criteria: it is a conservative change, it occurs at a poorly conserved position in the protein, it is predicted to be benign by multiple in silico algorithms, and/or has population frequency not consistent with disease.

NM_001040142.2(SCN2A):c.-51-1657G>T

Gene: SCN2A (sodium voltage-gated channel alpha subunit 2; plus strand). Cytogenetic location: 2q24.3.
Variant type: single nucleotide variant.
Coding change: c.-51-1657G>T on transcript NM_001040142.2 (MANE Select); 1657 bases into the intron before 51 bases upstream of the start codon, G replaced by T.
Molecular consequence: intron variant. On other transcripts: 5 prime UTR variant (1).
Genome position (GRCh38, 1-based): chr2:165,294,116, G>T. VCF-style: chr2-165294116-G-T. GRCh37 (hg19) VCF-style: chr2-166150626-G-T.
Other names: c.-71G>T (NM_021007.3); c.-51-1657G>T (NM_001040143.2, NM_001371246.1, NM_001371247.1).
Identifiers: ClinVar variation 507166 (VCV000507166.1), dbSNP rs962697383, ClinGen allele CA59718887.